The following is an entry in ClinVar:

NM_001267550.2(TTN):c.69861G>A (p.Trp23287Ter)

Genes: TTN-AS1 (TTN antisense RNA 1; plus strand), TTN (titin; minus strand), LOC126806422 (BRD4-independent group 4 enhancer GRCh37_chr2:179440205-179441404; plus strand). Cytogenetic location: 2q31.2.
Variant type: single nucleotide variant.
Coding change: c.69861G>A on transcript NM_001267550.2 (MANE Select); coding-DNA position 69861, G replaced by A.
Protein change: p.Trp23287Ter; replaces tryptophan 23287 with a stop codon.
Molecular consequence: nonsense.
Genome position (GRCh38, 1-based): chr2:178,576,271, C>T on the plus strand (G>A on the coding strand, the complement: TTN is on the minus strand). VCF-style: chr2-178576271-C-T. GRCh37 (hg19) VCF-style: chr2-179440998-C-T.
Other names: c.64938G>A, p.Trp21646Ter (NM_001256850.1); c.42666G>A, p.Trp14222Ter (NM_003319.4); c.62157G>A, p.Trp20719Ter (NM_133378.4); c.43041G>A, p.Trp14347Ter (NM_133432.3); c.43242G>A, p.Trp14414Ter (NM_133437.4); short protein forms W20719*, W14222*, W21646*, W14347*, W14414*, W23287*.
Identifiers: ClinVar variation 2123171 (VCV002123171.4), dbSNP rs2468719258, ClinGen allele CA349666112.

ClinVar aggregate classification (germline): Likely pathogenic (1 of 4 stars; one submission).

Conditions:
Autosomal recessive limb-girdle muscular dystrophy type 2J (LGMDR10). Also called: Limb-girdle muscular dystrophy, type 2J; MUSCULAR DYSTROPHY, LIMB-GIRDLE, AUTOSOMAL RECESSIVE 10. Identifiers: Orphanet 140922, MedGen C1837342, MONDO:0012127, OMIM 608807.
Dilated cardiomyopathy 1G (CMD1G). Identifiers: Orphanet 154, MedGen C1858763, MONDO:0011400, OMIM 604145.

Submission:

Labcorp Genetics (formerly Invitae), Labcorp
Classification: Likely pathogenic for Dilated cardiomyopathy 1G; Autosomal recessive limb-girdle muscular dystrophy type 2J. Last evaluated: 2022-04-08. Review status: criteria provided, single submitter. Criteria: Invitae Variant Classification Sherloc (09022015). Collection method: clinical testing. Allele origin: germline.
Comment: This variant is not present in population databases (gnomAD no frequency). This sequence change creates a premature translational stop signal (p.Trp23287*) in the TTN gene. While this is not anticipated to result in nonsense mediated decay, it is expected to create a truncated TTN protein. This premature translational stop signal has been observed in individual(s) with dilated cardiomyopathy (PMID: 25448463). This variant is located in the A band of TTN (PMID: 25589632). Truncating variants in this region are significantly overrepresented in patients affected with dilated cardiomyopathy (PMID: 25589632). Truncating variants in this region have also been reported in individuals affected with autosomal recessive centronuclear myopathy (PMID: 23975875). In summary, the currently available evidence indicates that the variant is pathogenic, but additional data are needed to prove that conclusively. Therefore, this variant has been classified as Likely Pathogenic.

Literature cited by the submitters: PubMed 25448463; PubMed 25589632; PubMed 23975875.